The following is an entry in ClinVar:

NM_153700.2(STRC):c.4552G>T (p.Gly1518Cys)

Gene: STRC (stereocilin; minus strand). Cytogenetic location: 15q15.3.
Variant type: single nucleotide variant.
Coding change: c.4552G>T on transcript NM_153700.2 (MANE Select); coding-DNA position 4552, G replaced by T.
Protein change: p.Gly1518Cys; replaces glycine 1518 with cysteine.
Molecular consequence: missense variant.
Genome position (GRCh38, 1-based): chr15:43,601,545, C>A on the plus strand (G>T on the coding strand, the complement: STRC is on the minus strand). VCF-style: chr15-43601545-C-A. GRCh37 (hg19) VCF-style: chr15-43893743-C-A.
Other names: short protein forms G1518C.
Identifiers: ClinVar variation 4879591 (VCV004879591.1).

ClinVar aggregate classification (germline): Likely pathogenic (1 of 4 stars; one submission).

Conditions:
Autosomal recessive nonsyndromic hearing loss 16. Also called: DFNB16 Nonsyndromic Hearing Loss and Deafness; DEAFNESS, AUTOSOMAL RECESSIVE 16. Identifiers: Orphanet 90636, MedGen C1863561, MONDO:0011364, OMIM 603720.

gnomAD v4.1: 1 of 1,613,764 alleles (0.000062%); highest among the groups gnomAD compares: South Asian, 0.0011%; no homozygotes.

Submission:

Victorian Clinical Genetics Services, Murdoch Childrens Research Institute
Classification: Likely pathogenic for Autosomal recessive nonsyndromic hearing loss 16. Last evaluated: 2026-06-02. Review status: criteria provided, single submitter. Criteria: ACMG Guidelines, 2015. Collection method: clinical testing. Allele origin: germline. Affected: yes.
Comment: This variant is classified as Likely pathogenic. Evidence in support of pathogenic classification: Variant is present in gnomAD <0.01 for a recessive condition (v4: 1 heterozygote(s), 0 homozygote(s)); Other missense variant(s) comparable to the one identified in this case have moderate previous evidence for pathogenicity. The alternative change, p.(Gly1518Ser) has been reported in multiple individuals with hearing loss (PMID: 32203226, 35022556, 34573409). It has also been classified once as VUS by a clinical laboratory in ClinVar. Another change, p.(Gly1518Val) has been reported in 3 alleles in a large cohort of hearing loss patients and classified as VUS (PMID: 35022556); Missense variant predicted to be damaging by in silico tool(s) or highly conserved with a major amino acid change; Heterozygous variant detected in trans with a second PATHOGENIC heterozygous variant (NC_000015.10:g.(?-43599157)_(43648844+?)del) in a recessive disease. Additional information: Variant is predicted to result in a missense amino acid change from Gly to Cys; This variant is hemizygous; This gene is associated with autosomal recessive disease; Alternative amino acid change(s) at the same position are present in gnomAD (highest allele count: v4: 1 heterozygote(s), 1 homozygote(s)); This variant has no previous evidence of pathogenicity; No published evidence of segregation with disease has been identified for this variant; No published functional evidence has been identified for this variant; Variant is not located in an established domain, motif, hotspot or informative constraint region; Loss of function is a known mechanism of disease in this gene and is associated with autosomal recessive deafness 16 (MIM#603720); Inheritance information for this variant is not currently available in this individual.

Literature cited by the submitters: PubMed 34573409; PubMed 32203226; PubMed 35022556.